The following is an entry in ClinVar:

ClinVar aggregate classification (germline): Uncertain significance. Review status: criteria provided, multiple submitters, no conflicts (2 of 4 stars). 2 submissions from 2 submitters: Uncertain significance (2). Last evaluated 2024-07-24.

Conditions:
Hypersulfaturia (HYSULF). Identifiers: MedGen C5830511, MONDO:0957268, OMIM 620372.
Nephrolithiasis susceptibility caused by SLC26A1 (CAON1). Also called: NEPHROLITHIASIS, CALCIUM OXALATE, 1. Identifiers: MedGen C5779632, MONDO:0020722, OMIM 167030.

gnomAD v4.1: 79 of 1,577,644 alleles (0.005%); highest among the groups gnomAD compares: Non-Finnish European, 0.0066%; no homozygotes.

Submissions (2):

Labcorp Genetics (formerly Invitae), Labcorp
Classification: Uncertain significance. Last evaluated: 2024-07-24. Review status: criteria provided, single submitter. Criteria: Invitae Variant Classification Sherloc (09022015). Collection method: clinical testing. Allele origin: germline.
Comment: This sequence change replaces alanine, which is neutral and non-polar, with glutamic acid, which is acidic and polar, at codon 272 of the SLC26A1 protein (p.Ala272Glu). This variant is present in population databases (rs144162753, gnomAD 0.009%). This variant has not been reported in the literature in individuals affected with SLC26A1-related conditions. Advanced modeling of protein sequence and biophysical properties (such as structural, functional, and spatial information, amino acid conservation, physicochemical variation, residue mobility, and thermodynamic stability) performed at Invitae indicates that this missense variant is expected to disrupt SLC26A1 protein function with a positive predictive value of 80%. In summary, the available evidence is currently insufficient to determine the role of this variant in disease. Therefore, it has been classified as a Variant of Uncertain Significance.

Fulgent Genetics
Classification: Uncertain significance for Nephrolithiasis susceptibility caused by SLC26A1; Hypersulfaturia. Last evaluated: 2024-03-13. Review status: criteria provided, single submitter. Criteria: ACMG Guidelines, 2015. Collection method: clinical testing. Allele origin: germline.

NM_022042.4(SLC26A1):c.815C>A (p.Ala272Glu)

Genes: IDUA (alpha-L-iduronidase; plus strand), SLC26A1 (solute carrier family 26 member 1; minus strand). Cytogenetic location: 4p16.3.
Variant type: single nucleotide variant.
Coding change: c.815C>A on transcript NM_022042.4 (MANE Select); coding-DNA position 815, C replaced by A.
Protein change: p.Ala272Glu; replaces alanine 272 with glutamic acid.
Molecular consequence: missense variant. On other transcripts: intron variant (2).
Genome position (GRCh38, 1-based): chr4:990,124, G>T on the plus strand (C>A on the coding strand, the complement: SLC26A1 is on the minus strand). VCF-style: chr4-990124-G-T. GRCh37 (hg19) VCF-style: chr4-983912-G-T.
Other names: c.815C>A, p.Ala272Glu (NM_213613.4); c.576+1004C>A (NM_134425.4); c.299+2175G>T (NM_000203.5); short protein forms A272E.
Identifiers: ClinVar variation 3591511 (VCV003591511.3).